The following is an entry in ClinVar:

NM_005732.4(RAD50):c.3131A>G (p.Glu1044Gly)

Gene: RAD50 (RAD50 double strand break repair protein; plus strand). Cytogenetic location: 5q31.1.
Variant type: single nucleotide variant.
Coding change: c.3131A>G on transcript NM_005732.4 (MANE Select); coding-DNA position 3131, A replaced by G.
Protein change: p.Glu1044Gly; replaces glutamic acid 1044 with glycine.
Molecular consequence: missense variant.
Genome position (GRCh38, 1-based): chr5:132,616,097, A>G. VCF-style: chr5-132616097-A-G. GRCh37 (hg19) VCF-style: chr5-131951789-A-G.
Other names: short protein forms E1044G.
Identifiers: ClinVar variation 2586250 (VCV002586250.2), dbSNP rs2479384473, ClinGen allele CA360963798.

ClinVar aggregate classification (germline): Uncertain significance (1 of 4 stars; one submission).

Conditions:
Hereditary cancer-predisposing syndrome. Also called: Hereditary neoplastic syndrome; Tumor predisposition; Hereditary Cancer Syndrome; Neoplastic Syndromes, Hereditary. Identifiers: Orphanet 140162, MedGen C0027672, MeSH D009386, MONDO:0015356.

Submission:

Ambry Genetics
Classification: Uncertain significance for Hereditary cancer-predisposing syndrome. Last evaluated: 2023-08-11. Review status: criteria provided, single submitter. Criteria: Ambry Variant Classification Scheme 2023. Collection method: clinical testing. Allele origin: germline.
Comment: The p.E1044G variant (also known as c.3131A>G), located in coding exon 20 of the RAD50 gene, results from an A to G substitution at nucleotide position 3131. The glutamic acid at codon 1044 is replaced by glycine, an amino acid with similar properties. This amino acid position is conserved. In addition, the in silico prediction for this alteration is inconclusive. Since supporting evidence is limited at this time, the clinical significance of this alteration remains unclear.